The following is an entry in ClinVar:

NM_000138.5(FBN1):c.1001G>T (p.Gly334Val)

Genes: FBN1 (fibrillin 1; minus strand), LOC113939944 (Sharpr-MPRA regulatory region 9539; plus strand). Cytogenetic location: 15q21.1.
Variant type: single nucleotide variant.
Coding change: c.1001G>T on transcript NM_000138.5 (MANE Select); coding-DNA position 1001, G replaced by T.
Protein change: p.Gly334Val; replaces glycine 334 with valine.
Molecular consequence: missense variant.
Genome position (GRCh38, 1-based): chr15:48,520,805, C>A on the plus strand (G>T on the coding strand, the complement: FBN1 is on the minus strand). VCF-style: chr15-48520805-C-A. GRCh37 (hg19) VCF-style: chr15-48813002-C-A.
Other names: c.1001G>T, p.Gly334Val (NM_001406716.1); short protein forms G334V.
Identifiers: ClinVar variation 4982422 (VCV004982422.1).

ClinVar aggregate classification (germline): Uncertain significance (1 of 4 stars; one submission).

Conditions:
FBN1-related disorder. Also called: FBN1-related disorders.

gnomAD v4.1: 2 of 1,614,124 alleles (0.00012%); highest among the groups gnomAD compares: South Asian, 0.0011%; no homozygotes.

Submission:

PreventionGenetics, part of Exact Sciences
Classification: Uncertain significance for FBN1-related condition. Last evaluated: 2025-05-17. Review status: criteria provided, single submitter. Criteria: ACMG Guidelines, 2015. Collection method: clinical testing. Allele origin: germline.
Comment: The FBN1 c.1001G>T variant is predicted to result in the amino acid substitution p.Gly334Val. To our knowledge, this variant has not been reported in the literature. This variant is predicted damaging to the encoded protein (Liu X et al. 2016. PMID:26555599). This variant is present in 0.0033% of alleles in individuals of South Asian descent in gnomAD. At this time, the clinical significance of this variant is uncertain due to the absence of conclusive functional and genetic evidence.